The following is an entry in ClinVar:

ClinVar aggregate classification (germline): Likely benign (1 of 4 stars; one submission).

Conditions:
KIDINS220-related disorder. Also called: KIDINS220-related condition.

Submission:

PreventionGenetics, part of Exact Sciences
Classification: Likely benign for KIDINS220-related condition. Last evaluated: 2025-04-29. Review status: criteria provided, single submitter. Criteria: ACMG Guidelines, 2015. Collection method: clinical testing. Allele origin: germline.
Comment: This variant is classified as likely benign based on ACMG/AMP sequence variant interpretation guidelines (Richards et al. 2015 PMID: 25741868, with internal and published modifications).

NM_020738.4(KIDINS220):c.108+4A>G

Gene: KIDINS220 (kinase D interacting substrate 220; minus strand). Cytogenetic location: 2p25.1.
Variant type: single nucleotide variant.
Coding change: c.108+4A>G on transcript NM_020738.4 (MANE Select); 4 bases into the intron after coding-DNA position 108, A replaced by G.
Molecular consequence: intron variant.
Genome position (GRCh38, 1-based): chr2:8,826,982, T>C on the plus strand (A>G on the coding strand, the complement: KIDINS220 is on the minus strand). VCF-style: chr2-8826982-T-C. GRCh37 (hg19) VCF-style: chr2-8967112-T-C.
Other names: c.108+4A>G (NM_001348741.2, NM_001348738.2, NM_001348739.2 and 9 more transcripts); c.-190+4A>G (NM_001348736.2).
Identifiers: ClinVar variation 4986809 (VCV004986809.1).